The following is an entry in ClinVar:

NM_015100.4(POGZ):c.3321del (p.Phe1107fs)

Gene: POGZ (pogo transposable element derived with ZNF domain; minus strand). Cytogenetic location: 1q21.3.
Variant type: Deletion.
Coding change: c.3321del on transcript NM_015100.4 (MANE Select); coding-DNA position 3321, one base deleted (T; older notation c.3321delT).
Protein change: p.Phe1107fs; shifts the reading frame from phenylalanine 1107.
Molecular consequence: frameshift variant.
Genome position (GRCh38, 1-based): chr1:151,405,714, A deleted on the plus strand (T on the coding strand, the reverse complement: POGZ is on the minus strand); the first of 4 consecutive A bases (chr1:151,405,714-151,405,717); deleting any one gives the same sequence. VCF-style (leftmost placement, unchanged base first): chr1-151405713-CA-C. GRCh37 (hg19) VCF-style: chr1-151378189-CA-C.
Other names: c.3321del (NM_015100.3); c.3321delT (NM_015100.3); c.3294del, p.Phe1098fs (NM_001194937.2); c.3135del, p.Phe1045fs (NM_001194938.2); c.3036del, p.Phe1012fs (NM_145796.4); c.3162del, p.Phe1054fs (NM_207171.2); short protein forms F1012fs, F1045fs, F1054fs, F1098fs, F1107fs.
Identifiers: ClinVar variation 817848 (VCV000817848.2), dbSNP rs1571323464, ClinGen allele CA915941410.

ClinVar aggregate classification (germline): Pathogenic (1 of 4 stars; one submission).

Submission:

GeneDx
Classification: Pathogenic. Last evaluated: 2026-09-17. Review status: criteria provided, single submitter. Criteria: GeneDx Variant Classification Process June 2021. Collection method: clinical testing. Allele origin: germline.
Comment: Frameshift variant predicted to result in abnormal protein length as the last 304 amino acid(s) are replaced with 14 different amino acid(s), and other similar variants have been reported in HGMD; Not observed at significant frequency in large population cohorts (gnomAD); Has not been previously published as pathogenic or benign to our knowledge